The following is an entry in ClinVar:

NM_001283009.2(RTEL1):c.2473G>T (p.Val825Phe)

Genes: RTEL1 (regulator of telomere elongation helicase 1; plus strand), RTEL1-TNFRSF6B (RTEL1-TNFRSF6B readthrough (NMD candidate); plus strand). Cytogenetic location: 20q13.33.
Variant type: single nucleotide variant.
Coding change: c.2473G>T on transcript NM_001283009.2 (MANE Select); coding-DNA position 2473, G replaced by T.
Protein change: p.Val825Phe; replaces valine 825 with phenylalanine.
Molecular consequence: missense variant. On other transcripts: non-coding transcript variant (1).
Genome position (GRCh38, 1-based): chr20:63,690,864, G>T. VCF-style: chr20-63690864-G-T. GRCh37 (hg19) VCF-style: chr20-62322217-G-T.
Other names: c.1804G>T, p.Val602Phe (NM_001283010.1); c.2473G>T, p.Val825Phe (NM_016434.4); c.2545G>T, p.Val849Phe (NM_032957.5); short protein forms V825F, V602F, V849F.
Identifiers: ClinVar variation 3948245 (VCV003948245.1).
Genomic context (GRCh38, chr20:63,690,864, plus strand): 5'-GGGTCACCAGCTGCCGGGGACCCCGAGAGTAGCCTGTGTGTGGAGTATGAGCAGGAGCCA[G>T]TTCCTGCCCGGCAGAGGCCCAGGGGGCTGCTGGCCGCCCTGGAGCACAGCGAACAGCGGG-3'
Protein context (NP_001269938.1, residues 815-835): SLCVEYEQEP[Val825Phe]PARQRPRGLL

ClinVar aggregate classification (germline): Uncertain significance (1 of 4 stars; one submission).

Conditions:
Inborn genetic diseases. Identifiers: MedGen C0950123, MeSH D030342.

Submission:

Ambry Genetics
Classification: Uncertain significance for Inborn genetic diseases. Last evaluated: 2025-03-24. Review status: criteria provided, single submitter. Criteria: Ambry Variant Classification Scheme 2023. Collection method: clinical testing. Allele origin: germline.
Comment: The p.V825F variant (also known as c.2473G>T), located in coding exon 26 of the RTEL1 gene, results from a G to T substitution at nucleotide position 2473. The valine at codon 825 is replaced by phenylalanine, an amino acid with highly similar properties. This amino acid position is conserved. In addition, this alteration is predicted to be tolerated by in silico analysis. Based on the available evidence, the clinical significance of this variant remains unclear.